The following is an entry in ClinVar:

ClinVar aggregate classification (germline): Uncertain significance (1 of 4 stars; one submission).

Conditions:
Dyskeratosis congenita, autosomal recessive 6 (DKCB6). Identifiers: MedGen C4225356, MONDO:0014600, OMIM 616353.
Pulmonary fibrosis and/or bone marrow failure, Telomere-related, 4. Also called: PULMONARY FIBROSIS AND/OR BONE MARROW FAILURE SYNDROME, TELOMERE-RELATED, 4. Identifiers: Orphanet 2032, MedGen C4225347, MONDO:0014612, OMIM 616371.

gnomAD v4.1: 6 of 1,594,802 alleles (0.00038%); highest among the groups gnomAD compares: South Asian, 0.0069%; no homozygotes.

Submission:

Labcorp Genetics (formerly Invitae), Labcorp
Classification: Uncertain significance for Dyskeratosis congenita, autosomal recessive 6; Pulmonary fibrosis and/or bone marrow failure, Telomere-related, 4. Last evaluated: 2024-04-29. Review status: criteria provided, single submitter. Criteria: Invitae Variant Classification Sherloc (09022015). Collection method: clinical testing. Allele origin: germline.
Comment: This sequence change replaces asparagine, which is neutral and polar, with lysine, which is basic and polar, at codon 627 of the PARN protein (p.Asn627Lys). The frequency data for this variant in the population databases is considered unreliable, as metrics indicate poor data quality at this position in the gnomAD database. This variant has not been reported in the literature in individuals affected with PARN-related conditions. ClinVar contains an entry for this variant (Variation ID: 1950989). An algorithm developed to predict the effect of missense changes on protein structure and function (PolyPhen-2) suggests that this variant is likely to be tolerated. In summary, the available evidence is currently insufficient to determine the role of this variant in disease. Therefore, it has been classified as a Variant of Uncertain Significance.

NM_002582.4(PARN):c.1881C>A (p.Asn627Lys)

Gene: PARN (poly(A)-specific ribonuclease; minus strand). Cytogenetic location: 16p13.12.
Variant type: single nucleotide variant.
Coding change: c.1881C>A on transcript NM_002582.4 (MANE Select); coding-DNA position 1881, C replaced by A.
Protein change: p.Asn627Lys; replaces asparagine 627 with lysine.
Molecular consequence: missense variant.
Genome position (GRCh38, 1-based): chr16:14,436,756, G>T on the plus strand (C>A on the coding strand, the complement: PARN is on the minus strand). VCF-style: chr16-14436756-G-T. GRCh37 (hg19) VCF-style: chr16-14530613-G-T.
Other names: c.1698C>A, p.Asn566Lys (NM_001134477.3); c.1743C>A, p.Asn581Lys (NM_001242992.2); short protein forms N581K, N627K, N566K.
Identifiers: ClinVar variation 1950989 (VCV001950989.5), dbSNP rs777806186, ClinGen allele CA7911895.